The following is an entry in ClinVar:

NM_000492.4(CFTR):c.498del (p.Lys166fs)

Gene: CFTR (CF transmembrane conductance regulator; plus strand). Cytogenetic location: 7q31.2.
Variant type: Deletion.
Coding change: c.498del on transcript NM_000492.4 (MANE Select); coding-DNA position 498, one base deleted (G; older notation c.498delG).
Protein change: p.Lys166fs; shifts the reading frame from lysine 166.
Molecular consequence: frameshift variant.
Genome position (GRCh38, 1-based): chr7:117,534,284, G deleted. VCF-style (leftmost placement, unchanged base first): chr7-117534283-AG-A. GRCh37 (hg19) VCF-style: chr7-117174337-AG-A.
Other names: c.498delG (NM_000492.4); short protein forms K166fs.
Identifiers: ClinVar variation 1706049 (VCV001706049.6), dbSNP rs2485014145, ClinGen allele CA2580076330.

ClinVar aggregate classification (germline): Pathogenic/Likely pathogenic. Review status: criteria provided, multiple submitters, no conflicts (2 of 4 stars). 5 submissions from 5 submitters: Pathogenic (3); Likely pathogenic (2). Last evaluated 2024-12-26.

Conditions:
Bronchiectasis with or without elevated sweat chloride 1 (BESC1). Also called: Cystic Fibrosis-Like Syndrome. Identifiers: Orphanet 60033, MedGen C2749757, MONDO:0008887, OMIM 211400.
Cystic fibrosis (CF). Also called: MUCOVISCIDOSIS. Identifiers: Orphanet 586, MedGen C0010674, MONDO:0009061, OMIM 219700. Disease mechanism: loss of function.
Hereditary pancreatitis (PCTT). Also called: Hereditary chronic pancreatitis; PRSS1-Related Hereditary Pancreatitis. Identifiers: Orphanet 676, MedGen C0238339, MONDO:0008185, OMIM 167800.
Congenital bilateral aplasia of vas deferens from CFTR mutation (CBAVD). Identifiers: Orphanet 48, MedGen C0403814, MONDO:0010178, OMIM 277180. Disease mechanism: loss of function.

Allele frequency attached by ClinVar (database versions not stated): gnomAD exomes below 0.00001.

Submissions (5):

Women's Health and Genetics/Laboratory Corporation of America, LabCorp
Classification: Pathogenic for Cystic fibrosis. Last evaluated: 2024-12-26. Review status: criteria provided, single submitter. Criteria: LabCorp Variant Classification Summary - May 2015. Collection method: clinical testing. Allele origin: germline.
Comment: Variant summary: CFTR c.498delG (p.Lys166AsnfsX7) results in a premature termination codon, predicted to cause a truncation of the encoded protein or absence of the protein due to nonsense mediated decay, which are commonly known mechanisms for disease. The frequency data for this variant in gnomAD is considered unreliable, as metrics indicate poor data quality at this position. c.498delG has been reported in the literature in individuals affected with Cystic Fibrosis (Raraigh_2022, Ahting_2023). These data indicate that the variant may be associated with disease. To our knowledge, no experimental evidence demonstrating an impact on protein function has been reported. The following publications have been ascertained in the context of this evaluation (PMID: 36976651, 34782259). ClinVar contains an entry for this variant (Variation ID: 1706049). Based on the evidence outlined above, the variant was classified as pathogenic.

Fulgent Genetics
Classification: Likely pathogenic for Hereditary pancreatitis; Bronchiectasis with or without elevated sweat chloride 1; Cystic fibrosis; Congenital bilateral aplasia of vas deferens from CFTR mutation. Last evaluated: 2024-03-20. Review status: criteria provided, single submitter. Criteria: ACMG Guidelines, 2015. Collection method: clinical testing. Allele origin: germline.

Baylor Genetics
Classification: Likely pathogenic for Bronchiectasis with or without elevated sweat chloride 1. Last evaluated: 2023-12-26. Review status: criteria provided, single submitter. Criteria: ACMG Guidelines, 2015. Collection method: clinical testing. Allele origin: unknown.

Institute of Human Genetics, University of Leipzig Medical Center
Classification: Pathogenic for Cystic fibrosis. Last evaluated: 2022-09-05. Review status: criteria provided, single submitter. Criteria: ACMG Guidelines, 2015. Collection method: curation. Allele origin: unknown. Affected: yes. Observed: 1 variant allele.
Comment: The variant was classified in the context of a project re-classifying variants in the German Cystic Fibrosis Registry (Muko.e.V.). Criteria applied: PVS1, PM2_SUP, PP4

Ambry Genetics
Classification: Pathogenic for Cystic fibrosis. Last evaluated: 2018-02-08. Review status: criteria provided, single submitter. Criteria: Ambry Variant Classification Scheme 2023. Collection method: clinical testing. Allele origin: germline.
Comment: The c.498delG pathogenic mutation, located in coding exon 5 of the CFTR gene, results from a deletion of one nucleotide at nucleotide position 498, causing a translational frameshift with a predicted alternate stop codon (p.K166Nfs*7). This alteration is expected to result in loss of function by premature protein truncation or nonsense-mediated mRNA decay. As such, this alteration is interpreted as a disease-causing mutation.

Literature cited by the submitters: PubMed 34782259 (cited by Women's Health and Genetics/Laboratory Corporation of America, LabCorp); PubMed 36976651 (cited by Women's Health and Genetics/Laboratory Corporation of America, LabCorp).